The following is an entry in ClinVar:

NM_000891.3(KCNJ2):c.962T>G (p.Leu321Arg)

Gene: KCNJ2 (potassium inwardly rectifying channel subfamily J member 2; plus strand). Cytogenetic location: 17q24.3.
Variant type: single nucleotide variant.
Coding change: c.962T>G on transcript NM_000891.3 (MANE Select); coding-DNA position 962, T replaced by G.
Protein change: p.Leu321Arg; replaces leucine 321 with arginine.
Molecular consequence: missense variant.
Genome position (GRCh38, 1-based): chr17:70,176,001, T>G. VCF-style: chr17-70176001-T-G. GRCh37 (hg19) VCF-style: chr17-68172142-T-G.
Other names: short protein forms L321R.
Identifiers: ClinVar variation 3371117 (VCV003371117.1).

ClinVar aggregate classification (germline): Uncertain significance (1 of 4 stars; one submission).

Submission:

GeneDx
Classification: Uncertain significance. Last evaluated: 2024-03-18. Review status: criteria provided, single submitter. Criteria: GeneDx Variant Classification Process June 2021. Collection method: clinical testing. Allele origin: germline. Affected: yes.
Comment: Not observed at significant frequency in large population cohorts (gnomAD); In silico analysis supports that this missense variant has a deleterious effect on protein structure/function; Has not been previously published as pathogenic or benign to our knowledge